The following is an entry in ClinVar:

ClinVar aggregate classification (germline): Uncertain significance (1 of 4 stars; one submission).

Conditions:
NIK deficiency. Also called: Primary immunodeficiency with multifaceted aberrant lymphoid immunity. Identifiers: Orphanet 447731, MedGen C5680065, MONDO:0018642.

Allele frequency attached by ClinVar (database versions not stated): gnomAD exomes below 0.00001 and 0.00002; ExAC 0.00003; TOPMed 0.00003; gnomAD 0.00005 and 0.00006; 1000 Genomes Project 30x 0.00031; 1000 Genomes Project 0.00040.
gnomAD v4.1: 12 of 1,613,018 alleles (0.00074%); highest among the groups gnomAD compares: African/African-American, 0.016%; no homozygotes.

Submission:

Labcorp Genetics (formerly Invitae), Labcorp
Classification: Uncertain significance for NIK deficiency. Last evaluated: 2022-10-17. Review status: criteria provided, single submitter. Criteria: Invitae Variant Classification Sherloc (09022015). Collection method: clinical testing. Allele origin: germline.
Comment: This sequence change replaces threonine, which is neutral and polar, with alanine, which is neutral and non-polar, at codon 706 of the MAP3K14 protein (p.Thr706Ala). This variant is present in population databases (rs149303541, gnomAD 0.03%). This variant has not been reported in the literature in individuals affected with MAP3K14-related conditions. ClinVar contains an entry for this variant (Variation ID: 1523257). Experimental studies and prediction algorithms are not available or were not evaluated, and the functional significance of this variant is currently unknown. In summary, the available evidence is currently insufficient to determine the role of this variant in disease. Therefore, it has been classified as a Variant of Uncertain Significance.

NM_003954.5(MAP3K14):c.2116A>G (p.Thr706Ala)

Genes: MAP3K14 (mitogen-activated protein kinase kinase kinase 14; minus strand), MAP3K14-AS1 (MAP3K14 antisense RNA 1; plus strand), LOC126862575 (CDK7 strongly-dependent group 2 enhancer GRCh37_chr17:43344006-43345205; plus strand). Cytogenetic location: 17q21.31.
Variant type: single nucleotide variant.
Coding change: c.2116A>G on transcript NM_003954.5 (MANE Select); coding-DNA position 2116, A replaced by G.
Protein change: p.Thr706Ala; replaces threonine 706 with alanine.
Molecular consequence: missense variant.
Genome position (GRCh38, 1-based): chr17:45,267,616, T>C on the plus strand (A>G on the coding strand, the complement: MAP3K14 is on the minus strand). VCF-style: chr17-45267616-T-C. GRCh37 (hg19) VCF-style: chr17-43344983-T-C.
Other names: short protein forms T706A.
Identifiers: ClinVar variation 1523257 (VCV001523257.6), dbSNP rs149303541, ClinGen allele CA8613951.